The following is an entry in ClinVar:

ClinVar aggregate classification (germline): Likely benign. Review status: criteria provided, multiple submitters, no conflicts (2 of 4 stars). 2 submissions from 2 submitters: Likely benign (2). Last evaluated 2026-08-25.

Conditions:
ITPR3-related disorder. Also called: ITPR3-related condition.

gnomAD v4.1: 126 of 1,613,812 alleles (0.0078%); highest among the groups gnomAD compares: Non-Finnish European, 0.01%; no homozygotes.

Submissions (2):

PreventionGenetics, part of Exact Sciences
Classification: Likely benign for ITPR3-related condition. Last evaluated: 2026-08-25. Review status: criteria provided, single submitter. Criteria: ACMG Guidelines, 2015. Collection method: clinical testing. Allele origin: germline.
Comment: This variant is classified as likely benign based on ACMG/AMP sequence variant interpretation guidelines (Richards et al. 2015 PMID: 25741868, with internal and published modifications).

CeGaT Center for Human Genetics Tuebingen
Classification: Likely benign. Last evaluated: 2024-10-01. Review status: criteria provided, single submitter. Criteria: CeGaT Center For Human Genetics Tuebingen Variant Classification Criteria Version 2. Collection method: clinical testing. Allele origin: germline. Affected: yes. Observed: 1 variant allele.
Comment: ITPR3: BP4

NM_002224.4(ITPR3):c.699G>A (p.Glu233=)

Gene: ITPR3 (inositol 1,4,5-trisphosphate receptor type 3; plus strand). Cytogenetic location: 6p21.31.
Variant type: single nucleotide variant.
Coding change: c.699G>A on transcript NM_002224.4 (MANE Select); coding-DNA position 699, G replaced by A.
Protein change: p.Glu233=; no amino-acid change (glutamic acid 233 retained).
Molecular consequence: synonymous variant.
Genome position (GRCh38, 1-based): chr6:33,659,537, G>A. VCF-style: chr6-33659537-G-A. GRCh37 (hg19) VCF-style: chr6-33627314-G-A.
Other names: c.699G>A (NM_002224.3).
Identifiers: ClinVar variation 3389409 (VCV003389409.15).